The following is an entry in ClinVar:

NM_005422.4(TECTA):c.3304G>A (p.Val1102Ile)

Genes: TBCEL-TECTA (TBCEL-TECTA readthrough; plus strand), TECTA (tectorin alpha; plus strand). Cytogenetic location: 11q23.3.
Variant type: single nucleotide variant.
Coding change: c.3304G>A on transcript NM_005422.4 (MANE Select); coding-DNA position 3304, G replaced by A.
Protein change: p.Val1102Ile; replaces valine 1102 with isoleucine.
Molecular consequence: missense variant.
Genome position (GRCh38, 1-based): chr11:121,137,783, G>A. VCF-style: chr11-121137783-G-A. GRCh37 (hg19) VCF-style: chr11-121008492-G-A.
Other names: c.4261G>A, p.Val1421Ile (NM_001378761.1); short protein forms V1102I, V1421I.
Identifiers: ClinVar variation 45326 (VCV000045326.21), dbSNP rs34658230, ClinGen allele CA136042.

ClinVar aggregate classification (germline): Likely benign. Review status: criteria provided, multiple submitters, no conflicts (2 of 4 stars). 7 submissions from 7 submitters: Likely benign (6). 1 of the submissions does not count toward it. Last evaluated 2026-01-16.

Conditions:
TECTA-related disorder. Also called: TECTA-related condition.

Allele frequency attached by ClinVar (database versions not stated): gnomAD exomes 0.00025 and 0.00061; ExAC 0.00072; 1000 Genomes Project 0.00180; 1000 Genomes Project 30x 0.00187; gnomAD 0.00231 and 0.00253; TOPMed 0.00260; ESP Exome Variant Server 0.00285.

Submissions (7):

Women's Health and Genetics/Laboratory Corporation of America, LabCorp
Classification: Likely benign. Last evaluated: 2026-01-16. Review status: criteria provided, single submitter. Criteria: LabCorp Variant Classification Summary - May 2015. Collection method: clinical testing. Allele origin: germline.
Comment: Variant summary: TECTA c.3304G>A (p.Val1102Ile) results in a conservative amino acid change in the encoded protein sequence. Algorithms developed to predict the effect of missense changes on protein structure and function all suggest that this variant is likely to be tolerated. The variant allele was found at a frequency of 0.00061 in 251164 control chromosomes, predominantly at a frequency of 0.0089 within the African or African-American subpopulation in the gnomAD database. The observed variant frequency within African or African-American control individuals in the gnomAD database exceeds the estimated maximal expected allele frequency for disease-causing variants in TECTA. To our knowledge, no occurrence of c.3304G>A in individuals affected with TECTA-related conditions and no experimental evidence demonstrating its impact on protein function have been reported. ClinVar contains an entry for this variant (Variation ID: 45326). Based on the evidence outlined above, the variant was classified as likely benign.

Labcorp Genetics (formerly Invitae), Labcorp
Classification: Likely benign. Last evaluated: 2025-11-24. Review status: criteria provided, single submitter. Criteria: Invitae Variant Classification Sherloc (09022015). Collection method: clinical testing. Allele origin: germline.

Blueprint Genetics
Classification: Likely benign. Last evaluated: 2024-09-06. Review status: criteria provided, single submitter. Criteria: ACMG Guidelines, 2015. Collection method: clinical testing. Allele origin: germline.

GeneDx
Classification: Likely benign. Last evaluated: 2020-12-14. Review status: criteria provided, single submitter. Criteria: GeneDx Variant Classification Process June 2021. Collection method: clinical testing. Allele origin: germline. Affected: yes.

Laboratory for Molecular Medicine, Mass General Brigham Personalized Medicine
Classification: Likely benign. Last evaluated: 2015-08-04. Review status: criteria provided, single submitter. Criteria: LMM Criteria. Collection method: clinical testing. Allele origin: germline. Observed: 4 variant alleles.
Comment: p.Val1102Ile in exon 10 of TECTA: This variant is not expected to have clinical significance because it has been identified in 0.8% (85/10382) of African chromo somes by the Exome Aggregation Consortium (ExAC; dbSNP rs34658230).

Breakthrough Genomics
Classification: Likely benign. Review status: criteria provided, single submitter. Criteria: ACMG Guidelines, 2015. Collection method: not provided. Allele origin: germline. Inheritance: Autosomal recessive inheritance. Affected: yes.

PreventionGenetics, part of Exact Sciences
Classification: Benign for TECTA-related condition. Last evaluated: 2020-06-05. Review status: no assertion criteria provided. Collection method: clinical testing. Allele origin: germline. Not counted in ClinVar's aggregate classification.
Comment: This variant is classified as benign based on ACMG/AMP sequence variant interpretation guidelines (Richards et al. 2015 PMID: 25741868, with internal and published modifications).